The following is an entry in ClinVar:

ClinVar aggregate classification (germline): Uncertain significance (1 of 4 stars; one submission).

Conditions:
Inborn genetic diseases. Identifiers: MedGen C0950123, MeSH D030342.

Submission:

Ambry Genetics
Classification: Uncertain significance for Inborn genetic diseases. Last evaluated: 2025-03-07. Review status: criteria provided, single submitter. Criteria: Ambry Variant Classification Scheme 2023. Collection method: clinical testing. Allele origin: germline.
Comment: The p.K442T variant (also known as c.1325A>C), located in coding exon 13 of the DDX41 gene, results from an A to C substitution at nucleotide position 1325. The lysine at codon 442 is replaced by threonine, an amino acid with similar properties. This amino acid position is conserved. In addition, this alteration is predicted to be deleterious by in silico analysis. Based on the available evidence, the clinical significance of this variant remains unclear.

NM_016222.4(DDX41):c.1325A>C (p.Lys442Thr)

Gene: DDX41 (DEAD-box helicase 41; minus strand). Cytogenetic location: 5q35.3.
Variant type: single nucleotide variant.
Coding change: c.1325A>C on transcript NM_016222.4 (MANE Select); coding-DNA position 1325, A replaced by C.
Protein change: p.Lys442Thr; replaces lysine 442 with threonine.
Molecular consequence: missense variant.
Genome position (GRCh38, 1-based): chr5:177,512,854, T>G on the plus strand (A>C on the coding strand, the complement: DDX41 is on the minus strand). VCF-style: chr5-177512854-T-G. GRCh37 (hg19) VCF-style: chr5-176939855-T-G.
Other names: c.947A>C, p.Lys316Thr (NM_001321732.2, NM_001321830.2); short protein forms K316T, K442T.
Identifiers: ClinVar variation 3839066 (VCV003839066.1).
Genomic context (GRCh38, chr5:177,512,854, plus strand): 5'-ATGGCTACGGCCTCAACCCCCTTGAGCAGCAGGTACTCGTGGATGGCGTCCACGTCTGCC[T>G]TCTTCTCTGCAAAGATGAGTACCTGTCCGGAAAGACCAACTCCAGTCAGGGGCTAACTGC-3'
Protein context (NP_057306.2, residues 432-452): PPPVLIFAEK[Lys442Thr]ADVDAIHEYL